The following is an entry in ClinVar:

NM_006648.4(WNK2):c.4010C>T (p.Ser1337Phe)

Gene: WNK2 (WNK lysine deficient protein kinase 2; plus strand). Cytogenetic location: 9q22.31.
Variant type: single nucleotide variant.
Coding change: c.4010C>T on transcript NM_006648.4 (MANE Select); coding-DNA position 4010, C replaced by T.
Protein change: p.Ser1337Phe; replaces serine 1337 with phenylalanine.
Molecular consequence: missense variant.
Genome position (GRCh38, 1-based): chr9:93,268,723, C>T. VCF-style: chr9-93268723-C-T. GRCh37 (hg19) VCF-style: chr9-96031005-C-T.
Other names: c.4010C>T, p.Ser1337Phe (NM_001282394.3); short protein forms S1337F.
Identifiers: ClinVar variation 3817229 (VCV003817229.1).

ClinVar aggregate classification (germline): Uncertain significance (1 of 4 stars; one submission).

gnomAD v4.1: 5 of 1,613,016 alleles (0.00031%); highest among the groups gnomAD compares: South Asian, 0.0011%; no homozygotes.

Submission:

Ambry Genetics
Classification: Uncertain significance. Last evaluated: 2025-03-07. Review status: criteria provided, single submitter. Criteria: Ambry Variant Classification Scheme 2023. Collection method: clinical testing. Allele origin: germline.
Comment: The p.S1337F variant (also known as c.4010C>T), located in coding exon 18 of the WNK2 gene, results from a C to T substitution at nucleotide position 4010. The serine at codon 1337 is replaced by phenylalanine, an amino acid with highly dissimilar properties. This amino acid position is conserved. In addition, this alteration is predicted to be tolerated by in silico analysis. Based on the available evidence, the clinical significance of this variant remains unclear.